The following is an entry in ClinVar:

NM_001379500.1(COL18A1):c.3648C>T (p.Ile1216=)

Genes: COL18A1 (collagen type XVIII alpha 1 chain; plus strand), SLC19A1 (solute carrier family 19 member 1; minus strand). Cytogenetic location: 21q22.3.
Variant type: single nucleotide variant.
Coding change: c.3648C>T on transcript NM_001379500.1 (MANE Select); coding-DNA position 3648, C replaced by T.
Protein change: p.Ile1216=; no amino-acid change (isoleucine 1216 retained).
Molecular consequence: synonymous variant.
Genome position (GRCh38, 1-based): chr21:45,510,216, C>T. VCF-style: chr21-45510216-C-T. GRCh37 (hg19) VCF-style: chr21-46930130-C-T.
Other names: c.4179C>T (NM_030582.3); c.4179C>T, p.Ile1393= (NM_030582.4); c.4884C>T, p.Ile1628= (NM_130444.3).
Identifiers: ClinVar variation 1603919 (VCV001603919.11), dbSNP rs751253150, ClinGen allele CA10067985.

ClinVar aggregate classification (germline): Likely benign. Review status: criteria provided, multiple submitters, no conflicts (2 of 4 stars). 4 submissions from 4 submitters: Likely benign (4). Last evaluated 2026-08-01.

Conditions:
COL18A1-related disorder. Also called: COL18A1-related disorders; COL18A1-related condition.

Allele frequency attached by ClinVar (database versions not stated): gnomAD exomes 0.00001; ExAC 0.00003.
gnomAD v4.1: 26 of 1,605,632 alleles (0.0016%); highest among the groups gnomAD compares: Admixed American, 0.0017%; no homozygotes.

Submissions (4):

CeGaT Center for Human Genetics Tuebingen
Classification: Likely benign. Last evaluated: 2026-08-01. Review status: criteria provided, single submitter. Criteria: CeGaT Center For Human Genetics Tuebingen Variant Classification Criteria Version 2. Collection method: clinical testing. Allele origin: germline. Affected: yes. Observed: 1 variant allele.
Comment: COL18A1: BP4, BP7

Labcorp Genetics (formerly Invitae), Labcorp
Classification: Likely benign. Last evaluated: 2025-11-19. Review status: criteria provided, single submitter. Criteria: Invitae Variant Classification Sherloc (09022015). Collection method: clinical testing. Allele origin: germline.

PreventionGenetics, part of Exact Sciences
Classification: Likely benign for COL18A1-related condition. Last evaluated: 2025-09-30. Review status: criteria provided, single submitter. Criteria: ACMG Guidelines, 2015. Collection method: clinical testing. Allele origin: germline.
Comment: This variant is classified as likely benign based on ACMG/AMP sequence variant interpretation guidelines (Richards et al. 2015 PMID: 25741868, with internal and published modifications).

Blueprint Genetics
Classification: Likely benign. Last evaluated: 2024-11-22. Review status: criteria provided, single submitter. Criteria: ACMG Guidelines, 2015. Collection method: clinical testing. Allele origin: germline.